The following is an entry in ClinVar:

ClinVar aggregate classification (germline): Uncertain significance (1 of 4 stars; one submission).

Allele frequency attached by ClinVar (database versions not stated): TOPMed below 0.00001; gnomAD 0.00002; gnomAD exomes 0.00002.
gnomAD v4.1: 24 of 1,551,358 alleles (0.0015%); highest among the groups gnomAD compares: Non-Finnish European, 0.002%; no homozygotes.

Submission:

CeGaT Center for Human Genetics Tuebingen
Classification: Uncertain significance. Last evaluated: 2022-09-01. Review status: criteria provided, single submitter. Criteria: CeGaT Center For Human Genetics Tuebingen Variant Classification Criteria Version 2. Collection method: clinical testing. Allele origin: germline. Affected: yes. Observed: 1 variant allele.
Comment: SHANK2: PVS1:Strong, PM2:Supporting

NM_012309.5(SHANK2):c.415C>T (p.Arg139Ter)

Gene: SHANK2 (SH3 and multiple ankyrin repeat domains 2; minus strand). Cytogenetic location: 11q13.4.
Variant type: single nucleotide variant.
Coding change: c.415C>T on transcript NM_012309.5 (MANE Select); coding-DNA position 415, C replaced by T.
Protein change: p.Arg139Ter; replaces arginine 139 with a stop codon.
Molecular consequence: nonsense.
Genome position (GRCh38, 1-based): chr11:71,113,361, G>A on the plus strand (C>T on the coding strand, the complement: SHANK2 is on the minus strand). VCF-style: chr11-71113361-G-A. GRCh37 (hg19) VCF-style: chr11-70824407-G-A.
Other names: short protein forms R139*.
Identifiers: ClinVar variation 1711323 (VCV001711323.30), dbSNP rs1205314621, ClinGen allele CA381962015.
Genomic context (GRCh38, chr11:71,113,361, plus strand): 5'-GGAGCTTGGCCAACTGTTTCTCATCGAGACTGGCTTGTTTATACACCCGCTTCTTGTATC[G>A]AAACTGGCACAGAAAACAAAAAAGAGAGAGAAAACAAGTCAATACTTCTCAGAGTTGTTC-3'